The following is an entry in ClinVar:

ClinVar aggregate classification (germline): Likely benign (0 of 4 stars; one submission).

Conditions:
KANK1-related disorder. Also called: KANK1-related condition.

Submission:

PreventionGenetics, part of Exact Sciences
Classification: Likely benign for KANK1-related condition. Last evaluated: 2024-08-08. Review status: no assertion criteria provided. Collection method: clinical testing. Allele origin: germline.
Comment: This variant is classified as likely benign based on ACMG/AMP sequence variant interpretation guidelines (Richards et al. 2015 PMID: 25741868, with internal and published modifications).

NM_015158.5(KANK1):c.2211T>C (p.Gly737=)

Gene: KANK1 (KN motif and ankyrin repeat domains 1; plus strand). Cytogenetic location: 9p24.3.
Variant type: single nucleotide variant.
Coding change: c.2211T>C on transcript NM_015158.5 (MANE Select); coding-DNA position 2211, T replaced by C.
Protein change: p.Gly737=; no amino-acid change (glycine 737 retained).
Molecular consequence: synonymous variant. On other transcripts: non-coding transcript variant (1).
Genome position (GRCh38, 1-based): chr9:712,977, T>C. VCF-style: chr9-712977-T-C. GRCh37 (hg19) VCF-style: chr9-712977-T-C.
Other names: c.2211T>C, p.Gly737= (NM_001256876.3, NM_001256877.3, NM_001354331.2 and 2 more transcripts); c.1737T>C, p.Gly579= (NM_001354333.2, NM_001354335.2, NM_001354336.2 and 9 more transcripts).
Identifiers: ClinVar variation 3345719 (VCV003345719.1).
Genomic context (GRCh38, chr9:712,977, plus strand): 5'-AGCTGTAGGAGAAGGCCGTGTCAAGGACATCAACTCCTCCACCAAGACGCGGTCCATTGG[T>C]GTTGGAACGTTGCTTTCTGGCCATTCTGGGTTTGACAGGCCATCAGCTGTGAAGACCAAA-3'
Protein context (NP_055973.2, residues 727-747): INSSTKTRSI[Gly737=]VGTLLSGHSG